The following is an entry in ClinVar:

ClinVar aggregate classification (germline): Uncertain significance (1 of 4 stars; one submission).

Conditions:
Baller-Gerold syndrome (BGS). Also called: CRANIOSYNOSTOSIS WITH RADIAL DEFECTS. Identifiers: Orphanet 1225, MedGen C0265308, MONDO:0009039, OMIM 218600.

gnomAD v4.1: 2 of 1,612,514 alleles (0.00012%); highest among the groups gnomAD compares: South Asian, 0.0011%; no homozygotes.

Submission:

Labcorp Genetics (formerly Invitae), Labcorp
Classification: Uncertain significance for Baller-Gerold syndrome. Last evaluated: 2022-02-21. Review status: criteria provided, single submitter. Criteria: Invitae Variant Classification Sherloc (09022015). Collection method: clinical testing. Allele origin: germline.
Comment: In summary, the available evidence is currently insufficient to determine the role of this variant in disease. Therefore, it has been classified as a Variant of Uncertain Significance. Experimental studies and prediction algorithms are not available or were not evaluated, and the functional significance of this variant is currently unknown. This variant has not been reported in the literature in individuals affected with RECQL4-related conditions. This variant is not present in population databases (gnomAD no frequency). This sequence change replaces proline, which is neutral and non-polar, with arginine, which is basic and polar, at codon 964 of the RECQL4 protein (p.Pro964Arg).

NM_004260.4(RECQL4):c.2891C>G (p.Pro964Arg)

Gene: RECQL4 (RecQ like helicase 4; minus strand). Cytogenetic location: 8q24.3.
Variant type: single nucleotide variant.
Coding change: c.2891C>G on transcript NM_004260.4 (MANE Select); coding-DNA position 2891, C replaced by G.
Protein change: p.Pro964Arg; replaces proline 964 with arginine.
Molecular consequence: missense variant.
Genome position (GRCh38, 1-based): chr8:144,512,556, G>C on the plus strand (C>G on the coding strand, the complement: RECQL4 is on the minus strand). VCF-style: chr8-144512556-G-C. GRCh37 (hg19) VCF-style: chr8-145737939-G-C.
Other names: c.1820C>G, p.Pro607Arg (NM_001413021.1, NM_001413022.1, NM_001413024.1 and 4 more transcripts); c.1895C>G, p.Pro632Arg (NM_001413023.1); c.2762C>G, p.Pro921Arg (NM_001413025.1); c.1754C>G, p.Pro585Arg (NM_001413027.1, NM_001413030.1, NM_001413032.1); c.2540C>G, p.Pro847Arg (NM_001413029.1); c.1622C>G, p.Pro541Arg (NM_001413031.1, NM_001413038.1); c.2759C>G, p.Pro920Arg (NM_001413033.1); c.2597C>G, p.Pro866Arg (NM_001413017.1); and 9 more; short protein forms P632R, P475R, P541R, P563R, P610R, P847R, P920R, P964R.
Identifiers: ClinVar variation 2101138 (VCV002101138.4), dbSNP rs1428730422, ClinGen allele CA372673670.